The following is an entry in ClinVar:

NM_004360.5(CDH1):c.1937-383A>G

Gene: CDH1 (cadherin 1; plus strand). Cytogenetic location: 16q22.1.
Variant type: single nucleotide variant.
Coding change: c.1937-383A>G on transcript NM_004360.5 (MANE Select); 383 bases into the intron before coding-DNA position 1937, A replaced by G.
Molecular consequence: intron variant.
Genome position (GRCh38, 1-based): chr16:68,823,016, A>G. VCF-style: chr16-68823016-A-G. GRCh37 (hg19) VCF-style: chr16-68856919-A-G.
Other names: c.1937-383A>G (LRG_301t1); c.389-383A>G (NM_001317185.2); c.-29-383A>G (NM_001317186.2); c.1754-383A>G (NM_001317184.2).
Identifiers: ClinVar variation 224564 (VCV000224564.4), dbSNP rs869312792, ClinGen allele CA353529.

ClinVar aggregate classification (germline): Uncertain significance. Review status: criteria provided, multiple submitters, no conflicts (2 of 4 stars). 2 submissions from 2 submitters: Uncertain significance (2). Last evaluated 2020-09-15.

Conditions:
Hereditary cancer-predisposing syndrome. Also called: Tumor predisposition; Hereditary neoplastic syndrome; Neoplastic Syndromes, Hereditary; Hereditary Cancer Syndrome. Identifiers: Orphanet 140162, MedGen C0027672, MeSH D009386, MONDO:0015356.

Submissions (2):

Ambry Genetics
Classification: Uncertain significance for Hereditary cancer-predisposing syndrome. Last evaluated: 2020-09-15. Review status: criteria provided, single submitter. Criteria: Ambry Variant Classification Scheme 2023. Collection method: clinical testing. Allele origin: germline.
Comment: The c.1937-383A>G intronic alteration consists of a A to G substitution 383 nucleotides before coding exon 13 in the CDH1 gene. Based on insufficient or conflicting evidence, the clinical significance of this alteration remains unclear.

University of Washington Department of Laboratory Medicine, University of Washington
Classification: Uncertain significance for Hereditary cancer-predisposing syndrome. Last evaluated: 2015-11-20. Review status: criteria provided, single submitter. Criteria: Shirts et al. (Genet Med 2016). Collection method: clinical testing. Allele origin: germline. Affected: yes. Observed: 1 variant allele.